The following is an entry in ClinVar:

ClinVar aggregate classification (germline): Uncertain significance (1 of 4 stars; one submission).

Allele frequency attached by ClinVar (database versions not stated): gnomAD exomes below 0.00001.
gnomAD v4.1: 2 of 1,611,908 alleles (0.00012%); highest among the groups gnomAD compares: Non-Finnish European, 0.000085%; no homozygotes.

Submission:

Labcorp Genetics (formerly Invitae), Labcorp
Classification: Uncertain significance. Last evaluated: 2022-04-20. Review status: criteria provided, single submitter. Criteria: Invitae Variant Classification Sherloc (09022015). Collection method: clinical testing. Allele origin: germline.
Comment: This sequence change replaces isoleucine, which is neutral and non-polar, with threonine, which is neutral and polar, at codon 5915 of the ADGRV1 protein (p.Ile5915Thr). This variant is not present in population databases (gnomAD no frequency). This variant has not been reported in the literature in individuals affected with ADGRV1-related conditions. Algorithms developed to predict the effect of missense changes on protein structure and function are either unavailable or do not agree on the potential impact of this missense change (SIFT: "Deleterious"; PolyPhen-2: "Possibly Damaging"; Align-GVGD: "Class C0"). In summary, the available evidence is currently insufficient to determine the role of this variant in disease. Therefore, it has been classified as a Variant of Uncertain Significance.

NM_032119.4(ADGRV1):c.17744T>C (p.Ile5915Thr)

Gene: ADGRV1 (adhesion G protein-coupled receptor V1; plus strand). Cytogenetic location: 5q14.3.
Variant type: single nucleotide variant.
Coding change: c.17744T>C on transcript NM_032119.4 (MANE Select); coding-DNA position 17744, T replaced by C.
Protein change: p.Ile5915Thr; replaces isoleucine 5915 with threonine.
Molecular consequence: missense variant. On other transcripts: non-coding transcript variant (1).
Genome position (GRCh38, 1-based): chr5:90,855,890, T>C. VCF-style: chr5-90855890-T-C. GRCh37 (hg19) VCF-style: chr5-90151707-T-C.
Other names: short protein forms I5915T.
Identifiers: ClinVar variation 2128231 (VCV002128231.1), dbSNP rs2532563582, ClinGen allele CA360431073.